The following is an entry in ClinVar:

NM_001136472.2(LITAF):c.143T>C (p.Val48Ala)

Gene: LITAF (lipopolysaccharide induced TNF factor; minus strand). Cytogenetic location: 16p13.13.
Variant type: single nucleotide variant.
Coding change: c.143T>C on transcript NM_001136472.2 (MANE Select); coding-DNA position 143, T replaced by C.
Protein change: p.Val48Ala; replaces valine 48 with alanine.
Molecular consequence: missense variant. On other transcripts: non-coding transcript variant (1).
Genome position (GRCh38, 1-based): chr16:11,556,588, A>G on the plus strand (T>C on the coding strand, the complement: LITAF is on the minus strand). VCF-style: chr16-11556588-A-G. GRCh37 (hg19) VCF-style: chr16-11650444-A-G.
Other names: c.143T>C, p.Val48Ala (NM_001136473.1, NM_004862.4); short protein forms V48A.
Identifiers: ClinVar variation 1718118 (VCV001718118.5), dbSNP rs2506646072, ClinGen allele CA394768133.

ClinVar aggregate classification (germline): Uncertain significance (1 of 4 stars; one submission).

Conditions:
Charcot-Marie-Tooth disease type 1C. Also called: CMT, SLOW NERVE CONDUCTION TYPE C; HMSN IC; CHARCOT-MARIE-TOOTH DISEASE, DEMYELINATING, TYPE 1C; CHARCOT-MARIE-TOOTH NEUROPATHY, TYPE 1C; NEUROPATHY, HEREDITARY MOTOR AND SENSORY, TYPE IC; Charcot-Marie-Tooth disease, type IC. Identifiers: Orphanet 101083, MedGen C0270913, MONDO:0010995, OMIM 601098.

Submission:

Labcorp Genetics (formerly Invitae), Labcorp
Classification: Uncertain significance for Charcot-Marie-Tooth disease type 1C. Last evaluated: 2022-08-27. Review status: criteria provided, single submitter. Criteria: Invitae Variant Classification Sherloc (09022015). Collection method: clinical testing. Allele origin: germline.
Comment: This sequence change replaces valine, which is neutral and non-polar, with alanine, which is neutral and non-polar, at codon 48 of the LITAF protein (p.Val48Ala). This variant is not present in population databases (gnomAD no frequency). This variant has not been reported in the literature in individuals affected with LITAF-related conditions. Algorithms developed to predict the effect of missense changes on protein structure and function (SIFT, PolyPhen-2, Align-GVGD) all suggest that this variant is likely to be tolerated. In summary, the available evidence is currently insufficient to determine the role of this variant in disease. Therefore, it has been classified as a Variant of Uncertain Significance.